The following is an entry in ClinVar:

ClinVar aggregate classification (germline): Conflicting classifications of pathogenicity. Review status: criteria provided, conflicting classifications (1 of 4 stars). 4 submissions from 4 submitters: Uncertain significance (1); Likely benign (3). Last evaluated 2026-01-11.

Conditions:
KMT2D-related disorder. Also called: KMT2D-Related Disorders.
Kabuki syndrome. Also called: NIIKAWA-KUROKI SYNDROME; Kabuki make-up syndrome. Identifiers: Orphanet 2322, MedGen C0796004, MONDO:0016512.
Inborn genetic diseases. Identifiers: MedGen C0950123, MeSH D030342.

Allele frequency attached by ClinVar (database versions not stated): ExAC 0.00007; gnomAD exomes 0.00007 and 0.00019; TOPMed 0.00009; gnomAD 0.00011 and 0.00012; ESP Exome Variant Server 0.00016.
gnomAD v4.1: 318 of 1,598,412 alleles (0.02%); highest among the groups gnomAD compares: Non-Finnish European, 0.023%; 1 homozygote.

Submissions (4):

Labcorp Genetics (formerly Invitae), Labcorp
Classification: Likely benign for Kabuki syndrome. Last evaluated: 2026-01-11. Review status: criteria provided, single submitter. Criteria: Invitae Variant Classification Sherloc (09022015). Collection method: clinical testing. Allele origin: germline.

PreventionGenetics, part of Exact Sciences
Classification: Likely benign for KMT2D-related condition. Last evaluated: 2025-12-23. Review status: criteria provided, single submitter. Criteria: ACMG Guidelines, 2015. Collection method: clinical testing. Allele origin: germline.
Comment: This variant is classified as likely benign based on ACMG/AMP sequence variant interpretation guidelines (Richards et al. 2015 PMID: 25741868, with internal and published modifications).

Ambry Genetics
Classification: Likely benign for Inborn genetic diseases. Last evaluated: 2025-01-27. Review status: criteria provided, single submitter. Criteria: Ambry Variant Classification Scheme 2023. Collection method: clinical testing. Allele origin: germline.

Center for Pediatric Genomic Medicine, Children's Mercy Hospital and Clinics
Classification: Uncertain significance. Last evaluated: 2017-09-11. Review status: criteria provided, single submitter. Criteria: ACMG Guidelines, 2015. Collection method: clinical testing. Allele origin: germline.

NM_003482.4(KMT2D):c.8578C>T (p.Arg2860Cys)

Gene: KMT2D (lysine methyltransferase 2D; minus strand). Cytogenetic location: 12q13.12.
Variant type: single nucleotide variant.
Coding change: c.8578C>T on transcript NM_003482.4 (MANE Select); coding-DNA position 8578, C replaced by T.
Protein change: p.Arg2860Cys; replaces arginine 2860 with cysteine.
Molecular consequence: missense variant.
Genome position (GRCh38, 1-based): chr12:49,038,778, G>A on the plus strand (C>T on the coding strand, the complement: KMT2D is on the minus strand). VCF-style: chr12-49038778-G-A. GRCh37 (hg19) VCF-style: chr12-49432561-G-A.
Other names: c.8578C>T (NM_003482.3); short protein forms R2860C.
Identifiers: ClinVar variation 445613 (VCV000445613.13), dbSNP rs201681639, ClinGen allele CA6546819.